The following is an entry in ClinVar:

ClinVar aggregate classification (germline): Uncertain significance (1 of 4 stars; one submission).

Allele frequency attached by ClinVar (database versions not stated): gnomAD exomes below 0.00001 and 0.00002.
gnomAD v4.1: 10 of 1,614,184 alleles (0.00062%); highest among the groups gnomAD compares: East Asian, 0.02%; no homozygotes.

Submission:

GeneDx
Classification: Uncertain significance. Last evaluated: 2014-09-09. Review status: criteria provided, single submitter. Criteria: GeneDx Variant Classification (06012015). Collection method: clinical testing. Allele origin: germline. Affected: yes.
Comment: p.Lys572Arg (AAG>AGG): c.1715 A>G in exon 14 of the MYH11 gene (NM_002474.2). The K572R variant has not been published as a mutation, nor has it been reported as a benign polymorphism to our knowledge. The K572R variant was not observed in approximately 6,500 individuals of European and African American ancestry in the NHLBI Exome Sequencing Project, indicating it is not a common benign variant in these populations. This substitution occurs at a position that is conserved across species. However, the K572R variant is a conservative amino acid substitution, which is not likely to impact secondary protein structure as these residues share similar properties. In silico analysis is inconsistent in its predictions as to whether or not the variant is damaging to the protein structure/function. Furthermore, no missense mutations in nearby residues have been reported in association with TAAD, indicating that this region of the protein may be tolerant of change. Therefore, based on the currently available information, it is unclear whether this variant is a pathogenic mutation or a rare benign variant. The variant is found in TAAD panel(s).

NM_002474.3(MYH11):c.1715A>G (p.Lys572Arg)

Gene: MYH11 (myosin heavy chain 11; minus strand). Cytogenetic location: 16p13.11.
Variant type: single nucleotide variant.
Coding change: c.1715A>G on transcript NM_002474.3 (MANE Select); coding-DNA position 1715, A replaced by G.
Protein change: p.Lys572Arg; replaces lysine 572 with arginine.
Molecular consequence: missense variant.
Genome position (GRCh38, 1-based): chr16:15,756,375, T>C on the plus strand (A>G on the coding strand, the complement: MYH11 is on the minus strand). VCF-style: chr16-15756375-T-C. GRCh37 (hg19) VCF-style: chr16-15850232-T-C.
Other names: p.K572R:AAG>AGG; c.1736A>G, p.Lys579Arg (NM_001040113.2, NM_001040114.2); c.1715A>G, p.Lys572Arg (NM_022844.3); short protein forms K572R, K579R.
Identifiers: ClinVar variation 201112 (VCV000201112.2), dbSNP rs794728678, ClinGen allele CA306673.